The following is an entry in ClinVar:

ClinVar aggregate classification (germline): Uncertain significance (1 of 4 stars; one submission).

Allele frequency attached by ClinVar (database versions not stated): ExAC 0.00001; gnomAD 0.00001; ESP Exome Variant Server 0.00008; 1000 Genomes Project 0.00020; 1000 Genomes Project 30x 0.00031.
gnomAD v4.1: 2 of 1,614,112 alleles (0.00012%); highest among the groups gnomAD compares: Admixed American, 0.0017%; no homozygotes.

Submission:

Labcorp Genetics (formerly Invitae), Labcorp
Classification: Uncertain significance. Last evaluated: 2024-01-17. Review status: criteria provided, single submitter. Criteria: Invitae Variant Classification Sherloc (09022015). Collection method: clinical testing. Allele origin: germline.
Comment: This sequence change replaces threonine, which is neutral and polar, with proline, which is neutral and non-polar, at codon 436 of the NBAS protein (p.Thr436Pro). This variant is present in population databases (rs150530409, gnomAD 0.008%). This variant has not been reported in the literature in individuals affected with NBAS-related conditions. ClinVar contains an entry for this variant (Variation ID: 2111323). Advanced modeling of protein sequence and biophysical properties (such as structural, functional, and spatial information, amino acid conservation, physicochemical variation, residue mobility, and thermodynamic stability) performed at Invitae indicates that this missense variant is not expected to disrupt NBAS protein function with a negative predictive value of 80%. In summary, the available evidence is currently insufficient to determine the role of this variant in disease. Therefore, it has been classified as a Variant of Uncertain Significance.

NM_015909.4(NBAS):c.1306A>C (p.Thr436Pro)

Gene: NBAS (NBAS subunit of NRZ tethering complex; minus strand). Cytogenetic location: 2p24.3.
Variant type: single nucleotide variant.
Coding change: c.1306A>C on transcript NM_015909.4 (MANE Select); coding-DNA position 1306, A replaced by C.
Protein change: p.Thr436Pro; replaces threonine 436 with proline.
Molecular consequence: missense variant. On other transcripts: non-coding transcript variant (1).
Genome position (GRCh38, 1-based): chr2:15,475,722, T>G on the plus strand (A>C on the coding strand, the complement: NBAS is on the minus strand). VCF-style: chr2-15475722-T-G. GRCh37 (hg19) VCF-style: chr2-15615846-T-G.
Other names: short protein forms T436P.
Identifiers: ClinVar variation 2111323 (VCV002111323.4), dbSNP rs150530409, ClinGen allele CA1536724.